The following is an entry in ClinVar:

NM_001813.3(CENPE):c.7294C>T (p.Leu2432Phe)

Gene: CENPE (centromere protein E; minus strand). Cytogenetic location: 4q24.
Variant type: single nucleotide variant.
Coding change: c.7294C>T on transcript NM_001813.3 (MANE Select); coding-DNA position 7294, C replaced by T.
Protein change: p.Leu2432Phe; replaces leucine 2432 with phenylalanine.
Molecular consequence: missense variant.
Genome position (GRCh38, 1-based): chr4:103,120,183, G>A on the plus strand (C>T on the coding strand, the complement: CENPE is on the minus strand). VCF-style: chr4-103120183-G-A. GRCh37 (hg19) VCF-style: chr4-104041340-G-A.
Other names: c.6931C>T, p.Leu2311Phe (NM_001286734.2); short protein forms L2311F, L2432F.
Identifiers: ClinVar variation 1311208 (VCV001311208.8), dbSNP rs142518565, ClinGen allele CA3029183.

ClinVar aggregate classification (germline): Conflicting classifications of pathogenicity. Review status: criteria provided, conflicting classifications (1 of 4 stars). 4 submissions from 4 submitters: Uncertain significance (3); Likely benign (1). Last evaluated 2026-03-12.

Conditions:
CENPE-related disorder. Also called: CENPE-related condition.

Allele frequency attached by ClinVar (database versions not stated): gnomAD exomes 0.00005 and 0.00015; ExAC 0.00023; 1000 Genomes Project 30x 0.00031; 1000 Genomes Project 0.00040; TOPMed 0.00059; gnomAD 0.00068 and 0.00074; ESP Exome Variant Server 0.00085.
gnomAD v4.1: 171 of 1,602,336 alleles (0.011%); highest among the groups gnomAD compares: African/African-American, 0.22%; no homozygotes.

Submissions (4):

PreventionGenetics, part of Exact Sciences
Classification: Likely benign for CENPE-related condition. Last evaluated: 2026-03-12. Review status: criteria provided, single submitter. Criteria: ACMG Guidelines, 2015. Collection method: clinical testing. Allele origin: germline.
Comment: This variant is classified as likely benign based on ACMG/AMP sequence variant interpretation guidelines (Richards et al. 2015 PMID: 25741868, with internal and published modifications).

Women's Health and Genetics/Laboratory Corporation of America, LabCorp
Classification: Uncertain significance. Last evaluated: 2024-11-06. Review status: criteria provided, single submitter. Criteria: LabCorp Variant Classification Summary - May 2015. Collection method: clinical testing. Allele origin: germline.
Comment: Variant summary: CENPE c.7294C>T (p.Leu2432Phe) results in a non-conservative amino acid change in the encoded protein sequence. Three of five in-silico tools predict a benign effect of the variant on protein function. The variant allele was found at a frequency of 0.00015 in 239974 control chromosomes, predominantly at a frequency of 0.0021 within the African or African-American subpopulation in the gnomAD database. This frequency is not significantly higher than estimated for a pathogenic variant in CENPE causing Microcephaly 13, Primary, Autosomal Recessive, allowing no conclusion about variant significance. To our knowledge, no occurrence of c.7294C>T in individuals affected with Microcephaly 13, Primary, Autosomal Recessive and no experimental evidence demonstrating its impact on protein function have been reported. ClinVar contains an entry for this variant (Variation ID: 1311208). Based on the evidence outlined above, the variant was classified as uncertain significance.

GeneDx
Classification: Uncertain significance. Last evaluated: 2019-12-20. Review status: criteria provided, single submitter. Criteria: GeneDx Variant Classification Process June 2021. Collection method: clinical testing. Allele origin: germline. Affected: yes.
Comment: In silico analysis, which includes protein predictors and evolutionary conservation, supports that this variant does not alter protein structure/function; Has not been previously published as pathogenic or benign to our knowledge; This variant is associated with the following publications: (PMID: 22974711)

Genetic Services Laboratory, University of Chicago
Classification: Uncertain significance. Last evaluated: 2019-05-21. Review status: criteria provided, single submitter. Criteria: ACMG Guidelines, 2015. Collection method: clinical testing. Allele origin: germline. Affected: no.